The following is an entry in ClinVar:

NM_000071.3(CBS):c.736+2T>C

Gene: CBS (cystathionine beta-synthase; minus strand). Cytogenetic location: 21q22.3.
Variant type: single nucleotide variant.
Coding change: c.736+2T>C on transcript NM_000071.3 (MANE Select); the canonical splice donor site of the intron after coding-DNA position 736, T replaced by C.
Molecular consequence: splice donor variant.
Genome position (GRCh38, 1-based): chr21:43,065,201, A>G on the plus strand (T>C on the coding strand, the complement: CBS is on the minus strand). VCF-style: chr21-43065201-A-G. GRCh37 (hg19) VCF-style: chr21-44485311-A-G.
Other names: c.736+2T>C (NM_001320298.2, NM_001178009.3, NM_001178008.3); c.421+2T>C (NM_001321072.1).
Identifiers: ClinVar variation 3622315 (VCV003622315.2).

ClinVar aggregate classification (germline): Pathogenic (1 of 4 stars; one submission).

Conditions:
HYPERHOMOCYSTEINEMIA, THROMBOTIC, CBS-RELATED. Identifiers: MedGen C3150344, OMIM 236200.

Submission:

Labcorp Genetics (formerly Invitae), Labcorp
Classification: Pathogenic for HYPERHOMOCYSTEINEMIA, THROMBOTIC, CBS-RELATED. Last evaluated: 2024-05-09. Review status: criteria provided, single submitter. Criteria: Invitae Variant Classification Sherloc (09022015). Collection method: clinical testing. Allele origin: germline.
Comment: This sequence change affects a donor splice site in intron 8 of the CBS gene. It is expected to disrupt RNA splicing. Variants that disrupt the donor or acceptor splice site typically lead to a loss of protein function (PMID: 16199547), and loss-of-function variants in CBS are known to be pathogenic (PMID: 10338090, 12124992). This variant is not present in population databases (gnomAD no frequency). Disruption of this splice site has been observed in individual(s) with homocystinuria (PMID: 33057012). Algorithms developed to predict the effect of sequence changes on RNA splicing suggest that this variant may disrupt the consensus splice site. For these reasons, this variant has been classified as Pathogenic.

Literature cited by the submitters: PubMed 16199547; PubMed 10338090; PubMed 12124992; PubMed 33057012.